The following is an entry in ClinVar:

ClinVar aggregate classification (germline): Uncertain significance. Review status: criteria provided, multiple submitters, no conflicts (2 of 4 stars). 2 submissions from 2 submitters: Uncertain significance (2). Last evaluated 2026-02-17.

Conditions:
Inborn genetic diseases. Identifiers: MedGen C0950123, MeSH D030342.

Allele frequency attached by ClinVar (database versions not stated): gnomAD exomes below 0.00001; gnomAD 0.00001; TOPMed 0.00001.
gnomAD v4.1: 3 of 1,209,153 alleles (0.00025%); highest among the groups gnomAD compares: Admixed American, 0.0044%; no homozygotes.

Submissions (2):

Ambry Genetics
Classification: Uncertain significance for Inborn genetic diseases. Last evaluated: 2026-02-17. Review status: criteria provided, single submitter. Criteria: Ambry Variant Classification Scheme 2023. Collection method: clinical testing. Allele origin: germline.
Comment: The c.2623A>G (p.K875E) alteration is located in exon 24 (coding exon 24) of the PHKA2 gene. This alteration results from a A to G substitution at nucleotide position 2623, causing the lysine (K) at amino acid position 875 to be replaced by a glutamic acid (E). Based on data from gnomAD, the G allele has an overall frequency of <0.001% (1/183532) total alleles studied. The highest observed frequency was 0.001% (1/81963) of European (non-Finnish) alleles. Based on insufficient or conflicting evidence, the clinical significance of this alteration remains unclear.

GeneDx
Classification: Uncertain significance. Last evaluated: 2023-05-08. Review status: criteria provided, single submitter. Criteria: GeneDx Variant Classification Process June 2021. Collection method: clinical testing. Allele origin: germline. Affected: yes.
Comment: Not observed at significant frequency in large population cohorts (gnomAD); In silico analysis supports that this missense variant does not alter protein structure/function; Has not been previously published as pathogenic or benign to our knowledge

NM_000292.3(PHKA2):c.2623A>G (p.Lys875Glu)

Gene: PHKA2 (phosphorylase kinase regulatory subunit alpha 2; minus strand). Cytogenetic location: Xp22.13.
Variant type: single nucleotide variant.
Coding change: c.2623A>G on transcript NM_000292.3 (MANE Select); coding-DNA position 2623, A replaced by G.
Protein change: p.Lys875Glu; replaces lysine 875 with glutamic acid.
Molecular consequence: missense variant.
Genome position (GRCh38, 1-based): chrX:18,906,789, T>C on the plus strand (A>G on the coding strand, the complement: PHKA2 is on the minus strand). VCF-style: chrX-18906789-T-C. GRCh37 (hg19) VCF-style: chrX-18924907-T-C.
Other names: short protein forms K875E.
Identifiers: ClinVar variation 2663069 (VCV002663069.2), dbSNP rs927162557, ClinGen allele CA327036701.